The following is an entry in ClinVar:

ClinVar aggregate classification (germline): Pathogenic (1 of 4 stars; one submission).

Conditions:
FRAXE. Also called: Fragile XE syndrome; FRAXE Syndrome; FRAXE intellectual disability; Intellectual developmental disorder, X-linked 109; Intellectual disability, X-linked, FRAXE type. Identifiers: Orphanet 100973, MedGen C0751157, MONDO:0010659, OMIM 309548. Disease mechanism: loss of function.

Submission:

Myriad Genetics, Inc.
Classification: Pathogenic for FRAXE. Last evaluated: 2026-06-04. Review status: criteria provided, single submitter. Criteria: Myriad Autosomal Dominant, Autosomal Recessive and X-Linked Classification Criteria (2023). Collection method: clinical testing. Allele origin: unknown.
Comment: NM_002025.3(AFF2):c.2966dupC(A990Cfs*48) is expected to be pathogenic in the context of fragile XE syndrome. This variant is predicted to lead to an abnormal or absent protein product due to the creation of a premature termination codon in AFF2, a gene where loss-of-function variants are known to be pathogenic. Please note: this variant was assessed in the context of healthy population screening.

NM_002025.4(AFF2):c.2966dup (p.Ala990fs)

Gene: AFF2 (ALF transcription elongation factor 2; plus strand). Cytogenetic location: Xq28.
Variant type: Duplication.
Coding change: c.2966dup on transcript NM_002025.4 (MANE Select); coding-DNA position 2966, one base duplicated (C; older notation c.2966dupC).
Protein change: p.Ala990fs; shifts the reading frame from alanine 990.
Molecular consequence: frameshift variant.
Genome position (GRCh38, 1-based): chrX:148,966,842, C duplicated. VCF-style (leftmost placement, unchanged base first): chrX-148966841-A-AC. GRCh37 (hg19) VCF-style: chrX-148048371-A-AC.
Other names: c.2861dup, p.Ala955fs (NM_001169122.2, NM_001169124.2); c.2936dup, p.Ala980fs (NM_001169123.2); c.2849dup, p.Ala951fs (NM_001169125.2); c.1889dup, p.Ala631fs (NM_001170628.1); short protein forms A631fs, A951fs, A955fs, A980fs, A990fs.
Identifiers: ClinVar variation 5015987 (VCV005015987.1).